The following is an entry in ClinVar:

ClinVar aggregate classification (germline): Pathogenic (1 of 4 stars; one submission).

gnomAD v4.1: 2 of 1,613,422 alleles (0.00012%); highest among the groups gnomAD compares: South Asian, 0.0011%; no homozygotes.

Submission:

Labcorp Genetics (formerly Invitae), Labcorp
Classification: Pathogenic. Last evaluated: 2025-12-16. Review status: criteria provided, single submitter. Criteria: Invitae Variant Classification Sherloc (09022015). Collection method: clinical testing. Allele origin: germline.
Comment: This sequence change creates a premature translational stop signal (p.Arg89*) in the LBR gene. It is expected to result in an absent or disrupted protein product. Loss-of-function variants in LBR are known to be pathogenic (PMID: 12118250, 12618959, 21327084, 23824842, 25348816, 30448303). The frequency data for this variant in the population databases is considered unreliable, as metrics indicate poor data quality at this position in the gnomAD database. This variant has not been reported in the literature in individuals affected with LBR-related conditions. For these reasons, this variant has been classified as Pathogenic.

Literature cited by the submitters: PubMed 12118250; PubMed 12618959; PubMed 21327084; PubMed 23824842; PubMed 25348816; PubMed 30448303.

NM_002296.4(LBR):c.265C>T (p.Arg89Ter)

Gene: LBR (lamin B receptor; minus strand). Cytogenetic location: 1q42.12.
Variant type: single nucleotide variant.
Coding change: c.265C>T on transcript NM_002296.4 (MANE Select); coding-DNA position 265, C replaced by T.
Protein change: p.Arg89Ter; replaces arginine 89 with a stop codon.
Molecular consequence: nonsense.
Genome position (GRCh38, 1-based): chr1:225,422,178, G>A on the plus strand (C>T on the coding strand, the complement: LBR is on the minus strand). VCF-style: chr1-225422178-G-A. GRCh37 (hg19) VCF-style: chr1-225609880-G-A.
Other names: c.265C>T, p.Arg89Ter (NM_194442.3); short protein forms R89*.
Identifiers: ClinVar variation 4803593 (VCV004803593.1).